The following is an entry in ClinVar:

NM_206933.4(USH2A):c.12294G>A (p.Lys4098=)

Gene: USH2A (usherin; minus strand). Cytogenetic location: 1q41.
Variant type: single nucleotide variant.
Coding change: c.12294G>A on transcript NM_206933.4 (MANE Select); coding-DNA position 12294, G replaced by A.
Protein change: p.Lys4098=; no amino-acid change (lysine 4098 retained).
Molecular consequence: synonymous variant.
Genome position (GRCh38, 1-based): chr1:215,680,149, C>T on the plus strand (G>A on the coding strand, the complement: USH2A is on the minus strand). VCF-style: chr1-215680149-C-T. GRCh37 (hg19) VCF-style: chr1-215853491-C-T.
Identifiers: ClinVar variation 2056788 (VCV002056788.3), dbSNP rs2464914255, ClinGen allele CA423429559.

ClinVar aggregate classification (germline): Uncertain significance (1 of 4 stars; one submission).

Submission:

Labcorp Genetics (formerly Invitae), Labcorp
Classification: Uncertain significance. Last evaluated: 2024-02-24. Review status: criteria provided, single submitter. Criteria: Invitae Variant Classification Sherloc (09022015). Collection method: clinical testing. Allele origin: germline.
Comment: This sequence change affects codon 4098 of the USH2A mRNA. It is a 'silent' change, meaning that it does not change the encoded amino acid sequence of the USH2A protein. This variant also falls at the last nucleotide of exon 62, which is part of the consensus splice site for this exon. This variant is not present in population databases (gnomAD no frequency). This variant has not been reported in the literature in individuals affected with USH2A-related conditions. ClinVar contains an entry for this variant (Variation ID: 2056788). Variants that disrupt the consensus splice site are a relatively common cause of aberrant splicing (PMID: 17576681, 9536098). Algorithms developed to predict the effect of sequence changes on RNA splicing suggest that this variant may disrupt the consensus splice site. In summary, the available evidence is currently insufficient to determine the role of this variant in disease. Therefore, it has been classified as a Variant of Uncertain Significance.

Literature cited by the submitters: PubMed 17576681; PubMed 9536098.